The following is an entry in ClinVar:

NM_001267550.2(TTN):c.46615del (p.Cys15539fs)

Genes: TTN-AS1 (TTN antisense RNA 1; plus strand), TTN (titin; minus strand). Cytogenetic location: 2q31.2.
Variant type: Deletion.
Coding change: c.46615del on transcript NM_001267550.2 (MANE Select); coding-DNA position 46615, one base deleted (T; older notation c.46615delT).
Protein change: p.Cys15539fs; shifts the reading frame from cysteine 15539.
Molecular consequence: frameshift variant.
Genome position (GRCh38, 1-based): chr2:178,619,702, A deleted on the plus strand (T on the coding strand, the reverse complement: TTN is on the minus strand); the first of 3 consecutive A bases (chr2:178,619,702-178,619,704); deleting any one gives the same sequence. VCF-style (leftmost placement, unchanged base first): chr2-178619701-CA-C. GRCh37 (hg19) VCF-style: chr2-179484428-CA-C.
Other names: c.41692del, p.Cys13898fs (NM_001256850.1); c.19420del, p.Cys6474fs (NM_003319.4); c.38911del, p.Cys12971fs (NM_133378.4); c.19795del, p.Cys6599fs (NM_133432.3); c.19996del, p.Cys6666fs (NM_133437.4); short protein forms C15539fs, C6599fs, C12971fs, C6666fs, C6474fs, C13898fs.
Identifiers: ClinVar variation 4785423 (VCV004785423.1).

ClinVar aggregate classification (germline): Likely pathogenic (1 of 4 stars; one submission).

Conditions:
Autosomal recessive limb-girdle muscular dystrophy type 2J (LGMDR10). Also called: Limb-girdle muscular dystrophy, type 2J; MUSCULAR DYSTROPHY, LIMB-GIRDLE, AUTOSOMAL RECESSIVE 10. Identifiers: Orphanet 140922, MedGen C1837342, MONDO:0012127, OMIM 608807.
Dilated cardiomyopathy 1G (CMD1G). Identifiers: Orphanet 154, MedGen C1858763, MONDO:0011400, OMIM 604145.

Submission:

Labcorp Genetics (formerly Invitae), Labcorp
Classification: Likely pathogenic for Dilated cardiomyopathy 1G; Autosomal recessive limb-girdle muscular dystrophy type 2J. Last evaluated: 2025-06-29. Review status: criteria provided, single submitter. Criteria: Invitae Variant Classification Sherloc (09022015). Collection method: clinical testing. Allele origin: germline.
Comment: This sequence change creates a premature translational stop signal (p.Cys15539Valfs*47) in the TTN gene. While this is not anticipated to result in nonsense mediated decay, it is expected to create a truncated TTN protein. This variant is not present in population databases (gnomAD no frequency). This variant has not been reported in the literature in individuals affected with TTN-related conditions. This variant is located in the I band of TTN (PMID: 25589632). Truncating variants in this region have been reported in individuals affected with autosomal recessive centronuclear myopathy (PMID: 23975875, internal data). Truncating variants in this region have also been identified in individuals affected with autosomal dominant dilated cardiomyopathy and/or cardio-related conditions (PMID: 27869827, 32964742, internal data). In summary, the currently available evidence indicates that the variant is pathogenic, but additional data are needed to prove that conclusively. Therefore, this variant has been classified as Likely Pathogenic.

Literature cited by the submitters: PubMed 25589632; PubMed 23975875; PubMed 27869827; PubMed 32964742.